The following is an entry in ClinVar:

NM_000142.5(FGFR3):c.380-1G>A

Gene: FGFR3 (fibroblast growth factor receptor 3; plus strand). Cytogenetic location: 4p16.3.
Variant type: single nucleotide variant.
Coding change: c.380-1G>A on transcript NM_000142.5 (MANE Select); the canonical splice acceptor site of the intron before coding-DNA position 380, G replaced by A.
Molecular consequence: splice acceptor variant.
Genome position (GRCh38, 1-based): chr4:1,799,746, G>A. VCF-style: chr4-1799746-G-A. GRCh37 (hg19) VCF-style: chr4-1801473-G-A.
Other names: c.380-1G>A (NM_001163213.2, NM_001354809.2, NM_001354810.2 and 1 more transcripts).
Identifiers: ClinVar variation 4755949 (VCV004755949.1).

ClinVar aggregate classification (germline): Uncertain significance (1 of 4 stars; one submission).

Submission:

GeneDx
Classification: Uncertain significance. Last evaluated: 2025-08-09. Review status: criteria provided, single submitter. Criteria: GeneDx Variant Classification Process June 2021. Collection method: clinical testing. Allele origin: germline. Affected: yes.
Comment: Not observed at significant frequency in large population cohorts (gnomAD); Has not been previously published as pathogenic or benign to our knowledge; Canonical splice site variant in a gene for which loss-of-function is not an established mechanism of disease